The following is an entry in ClinVar:

NM_001942.4(DSG1):c.2485C>G (p.Pro829Ala)

Genes: DSG1 (desmoglein 1; plus strand), DSG1-AS1 (DSG1 antisense RNA 1; minus strand), LOC126862720 (MED14-independent group 3 enhancer GRCh37_chr18:28933613-28934812; plus strand). Cytogenetic location: 18q12.1.
Variant type: single nucleotide variant.
Coding change: c.2485C>G on transcript NM_001942.4 (MANE Select); coding-DNA position 2485, C replaced by G.
Protein change: p.Pro829Ala; replaces proline 829 with alanine.
Molecular consequence: missense variant.
Genome position (GRCh38, 1-based): chr18:31,354,681, C>G. VCF-style: chr18-31354681-C-G. GRCh37 (hg19) VCF-style: chr18-28934644-C-G.
Other names: short protein forms P829A.
Identifiers: ClinVar variation 2979565 (VCV002979565.3), dbSNP rs556017565, ClinGen allele CA8926374.
Genomic context (GRCh38, chr18:31,354,681, plus strand): 5'-ATTTCTGAGAGCACCTATCCCTCGGGACCTGGTGTACTGCATCCTAAGCCTATTCTCGAT[C>G]CTCTGGGCTATGGTAATGTCACTGTGACCGAGTCTTACACCACCTCTGACACTCTGAAGC-3'
Protein context (NP_001933.2, residues 819-839): GVLHPKPILD[Pro829Ala]LGYGNVTVTE

ClinVar aggregate classification (germline): Uncertain significance (1 of 4 stars; one submission).

gnomAD v4.1: 10 of 1,614,014 alleles (0.00062%); highest among the groups gnomAD compares: African/African-American, 0.013%; no homozygotes.

Submission:

Labcorp Genetics (formerly Invitae), Labcorp
Classification: Uncertain significance. Last evaluated: 2024-06-26. Review status: criteria provided, single submitter. Criteria: Invitae Variant Classification Sherloc (09022015). Collection method: clinical testing. Allele origin: germline.
Comment: This sequence change replaces proline, which is neutral and non-polar, with alanine, which is neutral and non-polar, at codon 829 of the DSG1 protein (p.Pro829Ala). The frequency data for this variant in the population databases is considered unreliable, as metrics indicate poor data quality at this position in the gnomAD database. This variant has not been reported in the literature in individuals affected with DSG1-related conditions. Advanced modeling of protein sequence and biophysical properties (such as structural, functional, and spatial information, amino acid conservation, physicochemical variation, residue mobility, and thermodynamic stability) performed at Invitae indicates that this missense variant is not expected to disrupt DSG1 protein function with a negative predictive value of 80%. In summary, the available evidence is currently insufficient to determine the role of this variant in disease. Therefore, it has been classified as a Variant of Uncertain Significance.